The following is an entry in ClinVar:

ClinVar aggregate classification (germline): Pathogenic (1 of 4 stars; one submission).

Conditions:
Anemia, nonspherocytic hemolytic, due to G6PD deficiency (CNSHA1). Also called: Hemolytic anemia due to G6PD deficiency; Class I glucose-6-phosphate dehydrogenase deficiency; Favism, susceptibility to; ANEMIA, CONGENITAL, NONSPHEROCYTIC HEMOLYTIC, 1. Identifiers: Orphanet 466026, MedGen C2720289, MONDO:0010480, OMIM 300908.

Submission:

Dunham Lab, University of Washington
Classification: Pathogenic for Anemia, nonspherocytic hemolytic, due to G6PD deficiency. Last evaluated: 2022-08-12. Review status: criteria provided, single submitter. Criteria: Bayesian ACMG Guidelines, 2018. Collection method: curation. Allele origin: maternal. Affected: yes.
Comment: Decreased activity in red blood cells of hemizygote (1%) (PS3). Within dimer interface (PM1). Not found in gnomAD (PM2). Post_P 0.994 (odds of pathogenicity 1517, Prior_P 0.1).

Literature cited by the submitters: PubMed 16079115.

NM_001360016.2(G6PD):c.1205C>A (p.Thr402Asn)

Gene: G6PD (glucose-6-phosphate dehydrogenase; minus strand). Cytogenetic location: Xq28.
Variant type: single nucleotide variant.
Coding change: c.1205C>A on transcript NM_001360016.2 (MANE Select); coding-DNA position 1205, C replaced by A.
Protein change: p.Thr402Asn; replaces threonine 402 with asparagine.
Molecular consequence: missense variant.
Genome position (GRCh38, 1-based): chrX:154,532,649, G>T on the plus strand (C>A on the coding strand, the complement: G6PD is on the minus strand). VCF-style: chrX-154532649-G-T. GRCh37 (hg19) VCF-style: chrX-153760864-G-T.
Other names: G6PD Covao do Lobo; c.1295C>A, p.Thr432Asn (NM_000402.4); c.1205C>A, p.Thr402Asn (NM_001042351.3); short protein forms T402N, T432N.
Identifiers: ClinVar variation 1722675 (VCV001722675.2), dbSNP rs2523262593, ClinGen allele CA415233994.